The following is an entry in ClinVar:

ClinVar aggregate classification (germline): Likely benign (0 of 4 stars; one submission).

Conditions:
USP44-related disorder. Also called: USP44-related condition.

Allele frequency attached by ClinVar (database versions not stated): gnomAD exomes 0.00001; ExAC 0.00002.
gnomAD v4.1: 14 of 1,607,300 alleles (0.00087%); highest among the groups gnomAD compares: East Asian, 0.013%; no homozygotes.

Submission:

PreventionGenetics, part of Exact Sciences
Classification: Likely benign for USP44-related condition. Last evaluated: 2019-11-25. Review status: no assertion criteria provided. Collection method: clinical testing. Allele origin: germline.
Comment: This variant is classified as likely benign based on ACMG/AMP sequence variant interpretation guidelines (Richards et al. 2015 PMID: 25741868, with internal and published modifications).

NM_032147.5(USP44):c.6A>G (p.Leu2=)

Gene: USP44 (ubiquitin specific peptidase 44; minus strand). Cytogenetic location: 12q22.
Variant type: single nucleotide variant.
Coding change: c.6A>G on transcript NM_032147.5 (MANE Select); coding-DNA position 6, A replaced by G.
Protein change: p.Leu2=; no amino-acid change (leucine 2 retained).
Molecular consequence: synonymous variant. On other transcripts: non-coding transcript variant (6).
Genome position (GRCh38, 1-based): chr12:95,534,251, T>C on the plus strand (A>G on the coding strand, the complement: USP44 is on the minus strand). VCF-style: chr12-95534251-T-C. GRCh37 (hg19) VCF-style: chr12-95928027-T-C.
Other names: c.6A>G, p.Leu2= (NM_001042403.3, NM_001278393.2, NM_001347936.2 and 1 more transcripts).
Identifiers: ClinVar variation 3048368 (VCV003048368.2), dbSNP rs377219944, ClinGen allele CA6725730.
Genomic context (GRCh38, chr12:95,534,251, plus strand): 5'-GAGGCTGGAATGGTCTTGAGCAAGCTGCAGCTGCCCAACATGTTTGCACGTATCCATTGC[T>C]AGCATTTATTTAGTCTAGCTGAGAAATGCATAATCCAAACAAGTCTCTGTTCACAACACT-3'
Protein context (NP_115523.2, residues 1-12): M[Leu2=]AMDTCKHVGQ